The following is an entry in ClinVar:

ClinVar aggregate classification (germline): Uncertain significance. Review status: criteria provided, multiple submitters, no conflicts (2 of 4 stars). 2 submissions from 2 submitters: Uncertain significance (2). Last evaluated 2025-05-18.

Conditions:
Cardiovascular phenotype. Identifiers: MedGen CN230736.
Dilated cardiomyopathy 2B. Identifiers: Orphanet 154, MedGen C3553409, MONDO:0013848, OMIM 614672.

Allele frequency attached by ClinVar (database versions not stated): ExAC 0.00001; gnomAD exomes 0.00001; TOPMed 0.00002.
gnomAD v4.1: 3 of 1,612,752 alleles (0.00019%); highest among the groups gnomAD compares: East Asian, 0.0067%; no homozygotes.

Submissions (2):

Ambry Genetics
Classification: Uncertain significance for Cardiovascular phenotype. Last evaluated: 2025-05-18. Review status: criteria provided, single submitter. Criteria: Ambry Variant Classification Scheme 2023. Collection method: clinical testing. Allele origin: germline.

Labcorp Genetics (formerly Invitae), Labcorp
Classification: Uncertain significance for Dilated cardiomyopathy 2B. Last evaluated: 2022-08-16. Review status: criteria provided, single submitter. Criteria: Invitae Variant Classification Sherloc (09022015). Collection method: clinical testing. Allele origin: germline.
Comment: Algorithms developed to predict the effect of missense changes on protein structure and function (SIFT, PolyPhen-2, Align-GVGD) all suggest that this variant is likely to be tolerated. In summary, the available evidence is currently insufficient to determine the role of this variant in disease. Therefore, it has been classified as a Variant of Uncertain Significance. ClinVar contains an entry for this variant (Variation ID: 411577). This variant has not been reported in the literature in individuals affected with GATAD1-related conditions. This variant is present in population databases (rs754965302, gnomAD 0.02%). This sequence change replaces serine, which is neutral and polar, with alanine, which is neutral and non-polar, at codon 156 of the GATAD1 protein (p.Ser156Ala).

NM_021167.5(GATAD1):c.466T>G (p.Ser156Ala)

Gene: GATAD1 (GATA zinc finger domain containing 1; plus strand). Cytogenetic location: 7q21.2.
Variant type: single nucleotide variant.
Coding change: c.466T>G on transcript NM_021167.5 (MANE Select); coding-DNA position 466, T replaced by G.
Protein change: p.Ser156Ala; replaces serine 156 with alanine.
Molecular consequence: missense variant. On other transcripts: non-coding transcript variant (1).
Genome position (GRCh38, 1-based): chr7:92,454,532, T>G. VCF-style: chr7-92454532-T-G. GRCh37 (hg19) VCF-style: chr7-92083846-T-G.
Other names: c.466T>G (NM_021167.3); short protein forms S156A.
Identifiers: ClinVar variation 411577 (VCV000411577.9), dbSNP rs754965302, ClinGen allele CA4340302.